The following is an entry in ClinVar:

ClinVar aggregate classification (germline): Uncertain significance (1 of 4 stars; one submission).

Conditions:
Rubinstein-Taybi syndrome due to EP300 haploinsufficiency. Also called: EP300-Related Rubinstein-Taybi Syndrome; RUBINSTEIN-TAYBI SYNDROME 2. Identifiers: Orphanet 353284, Orphanet 783, MedGen C3150941, MONDO:0013364, OMIM 613684.

Submission:

Labcorp Genetics (formerly Invitae), Labcorp
Classification: Uncertain significance for Rubinstein-Taybi syndrome due to EP300 haploinsufficiency. Last evaluated: 2024-11-07. Review status: criteria provided, single submitter. Criteria: Invitae Variant Classification Sherloc (09022015). Collection method: clinical testing. Allele origin: germline.
Comment: This sequence change replaces glycine, which is neutral and non-polar, with arginine, which is basic and polar, at codon 96 of the EP300 protein (p.Gly96Arg). This variant is not present in population databases (gnomAD no frequency). This variant has not been reported in the literature in individuals affected with EP300-related conditions. Invitae Evidence Modeling of protein sequence and biophysical properties (such as structural, functional, and spatial information, amino acid conservation, physicochemical variation, residue mobility, and thermodynamic stability) indicates that this missense variant is not expected to disrupt EP300 protein function with a negative predictive value of 95%. In summary, the available evidence is currently insufficient to determine the role of this variant in disease. Therefore, it has been classified as a Variant of Uncertain Significance.

NM_001429.4(EP300):c.286G>A (p.Gly96Arg)

Gene: EP300 (EP300 lysine acetyltransferase; plus strand). Cytogenetic location: 22q13.2.
Variant type: single nucleotide variant.
Coding change: c.286G>A on transcript NM_001429.4 (MANE Select); coding-DNA position 286, G replaced by A.
Protein change: p.Gly96Arg; replaces glycine 96 with arginine.
Molecular consequence: missense variant.
Genome position (GRCh38, 1-based): chr22:41,117,378, G>A. VCF-style: chr22-41117378-G-A. GRCh37 (hg19) VCF-style: chr22-41513382-G-A.
Other names: c.286G>A, p.Gly96Arg (NM_001362843.2); short protein forms G96R.
Identifiers: ClinVar variation 3637790 (VCV003637790.2).
Genomic context (GRCh38, chr22:41,117,378, plus strand): 5'-TCTAAACATAAACAGCTGTCAGAATTGCTGCGATCTGGTAGTTCCCCTAACCTCAATATG[G>A]GAGTTGGTGGCCCAGGTCAAGTCATGGCCAGCCAGGCCCAACAGAGCAGTCCTGGATTAG-3'
Protein context (NP_001420.2, residues 86-106): RSGSSPNLNM[Gly96Arg]VGGPGQVMAS